The following is an entry in ClinVar:

ClinVar aggregate classification (germline): Uncertain significance (1 of 4 stars; one submission).

gnomAD v4.1: 54 of 1,603,468 alleles (0.0034%); highest among the groups gnomAD compares: South Asian, 0.016%; no homozygotes.

Submission:

Labcorp Genetics (formerly Invitae), Labcorp
Classification: Uncertain significance. Last evaluated: 2022-12-22. Review status: criteria provided, single submitter. Criteria: Invitae Variant Classification Sherloc (09022015). Collection method: clinical testing. Allele origin: germline.
Comment: This variant is present in population databases (rs369668064, gnomAD 0.01%). This sequence change replaces arginine, which is basic and polar, with histidine, which is basic and polar, at codon 33 of the CACNA2D4 protein (p.Arg33His). This variant has not been reported in the literature in individuals affected with CACNA2D4-related conditions. In summary, the available evidence is currently insufficient to determine the role of this variant in disease. Therefore, it has been classified as a Variant of Uncertain Significance. Algorithms developed to predict the effect of missense changes on protein structure and function output the following: SIFT: "Tolerated"; PolyPhen-2: "Benign"; Align-GVGD: "Class C0". The histidine amino acid residue is found in multiple mammalian species, which suggests that this missense change does not adversely affect protein function. ClinVar contains an entry for this variant (Variation ID: 1349392).

NM_172364.5(CACNA2D4):c.98G>A (p.Arg33His)

Gene: CACNA2D4 (calcium voltage-gated channel auxiliary subunit alpha2delta 4; minus strand). Cytogenetic location: 12p13.33.
Variant type: single nucleotide variant.
Coding change: c.98G>A on transcript NM_172364.5 (MANE Select); coding-DNA position 98, G replaced by A.
Protein change: p.Arg33His; replaces arginine 33 with histidine.
Molecular consequence: missense variant.
Genome position (GRCh38, 1-based): chr12:1,918,376, C>T on the plus strand (G>A on the coding strand, the complement: CACNA2D4 is on the minus strand). VCF-style: chr12-1918376-C-T. GRCh37 (hg19) VCF-style: chr12-2027542-C-T.
Other names: short protein forms R33H.
Identifiers: ClinVar variation 1349392 (VCV001349392.6), dbSNP rs369668064, ClinGen allele CA6387682.